The following is an entry in ClinVar:

ClinVar aggregate classification (germline): Uncertain significance (0 of 4 stars; one submission).

Conditions:
KSR2-related disorder. Also called: KSR2-related condition.

gnomAD v4.1: 98 of 1,613,914 alleles (0.0061%); highest among the groups gnomAD compares: Non-Finnish European, 0.0081%; no homozygotes.

Submissions (2):

PreventionGenetics, part of Exact Sciences
Classification: Uncertain significance for KSR2-related condition. Last evaluated: 2024-09-03. Review status: no assertion criteria provided. Collection method: clinical testing. Allele origin: germline.
Comment: The KSR2 c.283G>T variant is predicted to result in the amino acid substitution p.Asp95Tyr. This variant was reported in an individual with obesity and insulin resistance (Pearce et al. 2013. PubMed ID: 24209692, reported as D124Y). This variant is reported in 0.0054% of alleles in individuals of European (Non-Finnish) descent in gnomAD. At this time, the clinical significance of this variant is uncertain due to the absence of conclusive functional and genetic evidence.

Dr. Peter K. Rogan Lab, Western University
No classification provided (evidence only). Condition: Cervical cancer. Review status: no classification provided. Collection method: in vitro. Allele origin: not applicable. Functional consequence: retained intron. Not counted in ClinVar's aggregate classification.

NM_173598.6(KSR2):c.370G>T (p.Asp124Tyr)

Gene: KSR2 (kinase suppressor of ras 2; minus strand). Cytogenetic location: 12q24.23.
Variant type: single nucleotide variant.
Coding change: c.370G>T on transcript NM_173598.6 (MANE Select); coding-DNA position 370, G replaced by T.
Protein change: p.Asp124Tyr; replaces aspartic acid 124 with tyrosine.
Molecular consequence: missense variant.
Genome position (GRCh38, 1-based): chr12:117,855,530, C>A on the plus strand (G>T on the coding strand, the complement: KSR2 is on the minus strand). VCF-style: chr12-117855530-C-A. GRCh37 (hg19) VCF-style: chr12-118293335-C-A.
Other names: NC_000012.11:g.118293335C>A; short protein forms D124Y.
Identifiers: ClinVar variation 3352218 (VCV003352218.2).